The following is an entry in ClinVar:

NM_000214.3(JAG1):c.644A>G (p.Asn215Ser)

Gene: JAG1 (jagged canonical Notch ligand 1; minus strand). Cytogenetic location: 20p12.2.
Variant type: single nucleotide variant.
Coding change: c.644A>G on transcript NM_000214.3 (MANE Select); coding-DNA position 644, A replaced by G.
Protein change: p.Asn215Ser; replaces asparagine 215 with serine.
Molecular consequence: missense variant.
Genome position (GRCh38, 1-based): chr20:10,658,518, T>C on the plus strand (A>G on the coding strand, the complement: JAG1 is on the minus strand). VCF-style: chr20-10658518-T-C. GRCh37 (hg19) VCF-style: chr20-10639166-T-C.
Other names: short protein forms N215S.
Identifiers: ClinVar variation 2716365 (VCV002716365.3), dbSNP rs2514526463, ClinGen allele CA408240004.

ClinVar aggregate classification (germline): Uncertain significance (1 of 4 stars; one submission).

Conditions:
Alagille syndrome due to a JAG1 point mutation. Also called: Alagille Syndrome 1; JAG1-Related Alagille Syndrome; HEPATIC DUCTULAR HYPOPLASIA, SYNDROMATIC. Identifiers: Orphanet 261619, Orphanet 52, MedGen C1956125, MONDO:0016862, OMIM 118450.

Allele frequency attached by ClinVar (database versions not stated): gnomAD exomes below 0.00001.
gnomAD v4.1: 5 of 1,614,246 alleles (0.00031%); highest among the groups gnomAD compares: Non-Finnish European, 0.00042%; no homozygotes.

Submission:

Labcorp Genetics (formerly Invitae), Labcorp
Classification: Uncertain significance for Alagille syndrome due to a JAG1 point mutation. Last evaluated: 2023-10-03. Review status: criteria provided, single submitter. Criteria: Invitae Variant Classification Sherloc (09022015). Collection method: clinical testing. Allele origin: germline.
Comment: This sequence change replaces asparagine, which is neutral and polar, with serine, which is neutral and polar, at codon 215 of the JAG1 protein (p.Asn215Ser). This variant is not present in population databases (gnomAD no frequency). This variant has not been reported in the literature in individuals affected with JAG1-related conditions. Advanced modeling of protein sequence and biophysical properties (such as structural, functional, and spatial information, amino acid conservation, physicochemical variation, residue mobility, and thermodynamic stability) performed at Invitae indicates that this missense variant is not expected to disrupt JAG1 protein function. In summary, the available evidence is currently insufficient to determine the role of this variant in disease. Therefore, it has been classified as a Variant of Uncertain Significance.